The following is an entry in ClinVar:

NM_182914.3(SYNE2):c.6676A>G (p.Ile2226Val)

Gene: SYNE2 (spectrin repeat containing nuclear envelope protein 2; plus strand). Cytogenetic location: 14q23.2.
Variant type: single nucleotide variant.
Coding change: c.6676A>G on transcript NM_182914.3 (MANE Select); coding-DNA position 6676, A replaced by G.
Protein change: p.Ile2226Val; replaces isoleucine 2226 with valine.
Molecular consequence: missense variant.
Genome position (GRCh38, 1-based): chr14:64,027,755, A>G. VCF-style: chr14-64027755-A-G. GRCh37 (hg19) VCF-style: chr14-64494473-A-G.
Other names: c.6676A>G, p.Ile2226Val (NM_015180.6); short protein forms I2226V.
Identifiers: ClinVar variation 1357565 (VCV001357565.8), dbSNP rs2153541111, ClinGen allele CA389949927.

ClinVar aggregate classification (germline): Uncertain significance (1 of 4 stars; one submission).

Conditions:
Emery-Dreifuss muscular dystrophy 5, autosomal dominant (EDMD5). Also called: EMERY-DREIFUSS MUSCULAR DYSTROPHY 5. Identifiers: Orphanet 261, MedGen C2751805, MONDO:0013072, OMIM 612999.

Submission:

Labcorp Genetics (formerly Invitae), Labcorp
Classification: Uncertain significance for Emery-Dreifuss muscular dystrophy 5, autosomal dominant. Last evaluated: 2022-03-08. Review status: criteria provided, single submitter. Criteria: Invitae Variant Classification Sherloc (09022015). Collection method: clinical testing. Allele origin: germline.
Comment: This sequence change replaces isoleucine, which is neutral and non-polar, with valine, which is neutral and non-polar, at codon 2226 of the SYNE2 protein (p.Ile2226Val). In summary, the available evidence is currently insufficient to determine the role of this variant in disease. Therefore, it has been classified as a Variant of Uncertain Significance. Algorithms developed to predict the effect of sequence changes on RNA splicing suggest that this variant may create or strengthen a splice site. Algorithms developed to predict the effect of missense changes on protein structure and function output the following: SIFT: "Tolerated"; PolyPhen-2: "Benign"; Align-GVGD: "Class C0". The valine amino acid residue is found in multiple mammalian species, which suggests that this missense change does not adversely affect protein function. This variant has not been reported in the literature in individuals affected with SYNE2-related conditions. This variant is not present in population databases (gnomAD no frequency).